The following is an entry in ClinVar:

ClinVar aggregate classification (germline): Uncertain significance (1 of 4 stars; one submission).

Submission:

Ambry Genetics
Classification: Uncertain significance. Last evaluated: 2025-08-04. Review status: criteria provided, single submitter. Criteria: Ambry Variant Classification Scheme 2023. Collection method: clinical testing. Allele origin: germline.
Comment: The c.572+1G>C intronic variant results from a G to C substitution one nucleotide after coding exon 5 of the RAD51B gene. This nucleotide position is highly conserved in available vertebrate species. In silico splice site analysis predicts that this alteration will weaken the native splice donor site. The evidence for this gene-disease relationship is limited; therefore, the clinical significance of this alteration is unclear.

NM_133510.4(RAD51B):c.572+1G>C

Gene: RAD51B (RAD51 paralog B; plus strand). Cytogenetic location: 14q24.1.
Variant type: single nucleotide variant.
Coding change: c.572+1G>C on transcript NM_133510.4 (MANE Select); the canonical splice donor site of the intron after coding-DNA position 572, G replaced by C.
Molecular consequence: splice donor variant.
Genome position (GRCh38, 1-based): chr14:67,885,989, G>C. VCF-style: chr14-67885989-G-C. GRCh37 (hg19) VCF-style: chr14-68352706-G-C.
Other names: c.572+1G>C (NM_001321818.2, NM_001321809.2, NM_001321821.2 and 6 more transcripts); c.215+1G>C (NM_001321817.2); c.458+1G>C (NM_001321815.1).
Identifiers: ClinVar variation 4149843 (VCV004149843.1).